The following is an entry in ClinVar:

ClinVar aggregate classification (germline): Uncertain significance (1 of 4 stars; one submission).

Conditions:
Inborn genetic diseases. Identifiers: MedGen C0950123, MeSH D030342.

gnomAD v4.1: 1 of 1,614,182 alleles (0.000062%); no homozygotes.

Submission:

Ambry Genetics
Classification: Uncertain significance for Inborn genetic diseases. Last evaluated: 2023-05-28. Review status: criteria provided, single submitter. Criteria: Ambry Variant Classification Scheme 2023. Collection method: clinical testing. Allele origin: germline.
Comment: The p.Y489H variant (also known as c.1465T>C), located in coding exon 11 of the EPAS1 gene, results from a T to C substitution at nucleotide position 1465. The tyrosine at codon 489 is replaced by histidine, an amino acid with similar properties. This amino acid position is conserved. In addition, the in silico prediction for this alteration is inconclusive. Since supporting evidence is limited at this time, the clinical significance of this alteration remains unclear.

NM_001430.5(EPAS1):c.1465T>C (p.Tyr489His)

Gene: EPAS1 (endothelial PAS domain protein 1; plus strand). Cytogenetic location: 2p21.
Variant type: single nucleotide variant.
Coding change: c.1465T>C on transcript NM_001430.5 (MANE Select); coding-DNA position 1465, T replaced by C.
Protein change: p.Tyr489His; replaces tyrosine 489 with histidine.
Molecular consequence: missense variant.
Genome position (GRCh38, 1-based): chr2:46,378,678, T>C. VCF-style: chr2-46378678-T-C. GRCh37 (hg19) VCF-style: chr2-46605817-T-C.
Other names: short protein forms Y489H.
Identifiers: ClinVar variation 2560751 (VCV002560751.2), dbSNP rs1453309302, ClinGen allele CA346704162.